The following is an entry in ClinVar:

ClinVar aggregate classification (germline): Likely benign. Review status: criteria provided, multiple submitters, no conflicts (2 of 4 stars). 3 submissions from 3 submitters: Likely benign (3). Last evaluated 2025-04-28.

Conditions:
Hereditary cancer-predisposing syndrome. Also called: Neoplastic Syndromes, Hereditary; Hereditary neoplastic syndrome; Tumor predisposition; Hereditary Cancer Syndrome. Identifiers: Orphanet 140162, MedGen C0027672, MeSH D009386, MONDO:0015356.
Familial cancer of breast. Also called: hereditary breast carcinoma; Hereditary breast cancer; BREAST CANCER, FAMILIAL. Identifiers: Orphanet 227535, MedGen C0346153, MONDO:0016419, OMIM 114480. Disease mechanism: loss of function.

Allele frequency attached by ClinVar (database versions not stated): gnomAD exomes below 0.00001; ExAC 0.00001; gnomAD 0.00001; 1000 Genomes Project 0.00020; 1000 Genomes Project 30x 0.00031.

Submissions (3):

Labcorp Genetics (formerly Invitae), Labcorp
Classification: Likely benign for Familial cancer of breast. Last evaluated: 2025-04-28. Review status: criteria provided, single submitter. Criteria: Invitae Variant Classification Sherloc (09022015). Collection method: clinical testing. Allele origin: germline.

Myriad Genetics, Inc.
Classification: Likely benign for Familial cancer of breast. Last evaluated: 2024-07-29. Review status: criteria provided, single submitter. Criteria: Myriad Autosomal Dominant, Autosomal Recessive and X-Linked Classification Criteria (2023). Collection method: clinical testing. Allele origin: unknown.
Comment: This variant is considered likely benign. This variant is intronic and is not expected to impact mRNA splicing.

Color Diagnostics, LLC DBA Color Health
Classification: Likely benign for Hereditary cancer-predisposing syndrome. Last evaluated: 2022-09-12. Review status: criteria provided, single submitter. Criteria: ACMG Guidelines, 2015. Collection method: clinical testing. Allele origin: germline.

NM_000465.4(BARD1):c.2002-10A>G

Gene: BARD1 (BRCA1 associated RING domain 1; minus strand). Cytogenetic location: 2q35.
Variant type: single nucleotide variant.
Coding change: c.2002-10A>G on transcript NM_000465.4 (MANE Select); 10 bases into the intron before coding-DNA position 2002, A replaced by G.
Molecular consequence: intron variant.
Genome position (GRCh38, 1-based): chr2:214,729,018, T>C on the plus strand (A>G on the coding strand, the complement: BARD1 is on the minus strand). VCF-style: chr2-214729018-T-C. GRCh37 (hg19) VCF-style: chr2-215593742-T-C.
Other names: c.592-10A>G (NM_001282548.2); c.1945-10A>G (NM_001282543.2); c.649-10A>G (NM_001282545.2); c.463-10A>G (NM_001282549.2).
Identifiers: ClinVar variation 798376 (VCV000798376.13), dbSNP rs199758343, ClinGen allele CA2090091.